The following is an entry in ClinVar:

ClinVar aggregate classification (germline): Uncertain significance (1 of 4 stars; one submission).

Conditions:
Combined oxidative phosphorylation defect type 27. Also called: Combined oxidative phosphorylation deficiency 27. Identifiers: Orphanet 477774, MedGen C5567608, MONDO:0014728, OMIM 616672.

Submission:

Labcorp Genetics (formerly Invitae), Labcorp
Classification: Uncertain significance for Combined oxidative phosphorylation defect type 27. Last evaluated: 2022-09-07. Review status: criteria provided, single submitter. Criteria: Invitae Variant Classification Sherloc (09022015). Collection method: clinical testing. Allele origin: germline.
Comment: Algorithms developed to predict the effect of sequence changes on RNA splicing suggest that this variant may disrupt the consensus splice site. In summary, the available evidence is currently insufficient to determine the role of this variant in disease. Therefore, it has been classified as a Variant of Uncertain Significance. ClinVar contains an entry for this variant (Variation ID: 934443). This variant has not been reported in the literature in individuals affected with CARS2-related conditions. This variant is not present in population databases (gnomAD no frequency). This sequence change creates a premature translational stop signal (p.Arg398Serfs*9) in the CARS2 gene. It is expected to result in an absent or disrupted protein product. However, the current clinical and genetic evidence is not sufficient to establish whether loss-of-function variants in CARS2 cause disease.

NC_000013.11:g.110646091del

Gene: CARS2 (cysteinyl-tRNA synthetase 2, mitochondrial; minus strand). Cytogenetic location: 13q34.
Variant type: Deletion.
Genome position: GRCh38 VCF-style: chr13-110646089-GC-G. GRCh37 (hg19) VCF-style: chr13-111298436-GC-G.
Identifiers: ClinVar variation 934443 (VCV000934443.9), dbSNP rs1475142913, ClinGen allele CA695050585.